The following is an entry in ClinVar:

ClinVar aggregate classification (germline): Pathogenic/Likely pathogenic. Review status: criteria provided, multiple submitters, no conflicts (2 of 4 stars). 7 submissions from 7 submitters: Pathogenic (1); Likely pathogenic (5). 1 of the submissions does not count toward it. Last evaluated 2025-12-30.

Conditions:
Niemann-Pick disease, type B. Also called: Chronic Visceral ASMD (Niemann-Pick Disease Type B; NPD-B). Identifiers: Orphanet 77293, MedGen C0268243, MONDO:0011871, OMIM 607616. Disease mechanism: loss of function.
Niemann-Pick disease, type A. Also called: SPHINGOMYELIN LIPIDOSIS; SPHINGOMYELINASE DEFICIENCY; Infantile Neurovisceral ASMD (Niemann-Pick Disease Type A; NPD-A). Identifiers: Orphanet 77292, MedGen C0268242, MONDO:0009756, OMIM 257200. Disease mechanism: loss of function.

Allele frequency attached by ClinVar (database versions not stated): gnomAD exomes below 0.00001; ExAC 0.00001.
gnomAD v4.1: 3 of 1,614,176 alleles (0.00019%); highest among the groups gnomAD compares: Non-Finnish European, 0.00025%; no homozygotes.

Submissions (7):

Labcorp Genetics (formerly Invitae), Labcorp
Classification: Pathogenic for Niemann-Pick disease, type B; Niemann-Pick disease, type A. Last evaluated: 2025-12-30. Review status: criteria provided, single submitter. Criteria: Invitae Variant Classification Sherloc (09022015). Collection method: clinical testing. Allele origin: germline.
Comment: This sequence change replaces glycine, which is neutral and non-polar, with arginine, which is basic and polar, at codon 319 of the SMPD1 protein (p.Gly319Arg). This variant is present in population databases (rs757934797, gnomAD 0.0009%). This missense change has been observed in individual(s) with Niemann-Pick disease type A (PMID: 27338287). ClinVar contains an entry for this variant (Variation ID: 555444). Invitae Evidence Modeling of protein sequence and biophysical properties (such as structural, functional, and spatial information, amino acid conservation, physicochemical variation, residue mobility, and thermodynamic stability) indicates that this missense variant is expected to disrupt SMPD1 protein function with a positive predictive value of 95%. Experimental studies have shown that this missense change affects SMPD1 function (PMID: 34273913). For these reasons, this variant has been classified as Pathogenic.

Natera, Inc.
Classification: Likely pathogenic for Niemann-Pick Disease, Types A/B. Last evaluated: 2025-04-18. Review status: criteria provided, single submitter. Criteria: Natera Variant Classification Schema (03/2026). Collection method: clinical testing. Allele origin: germline.
Comment: The c.955G>C variant in SMPD1 is a missense variant predicted to cause substitution of glycine to arginine at amino acid 319. This variant is rare in the general population with a frequency below the threshold expected for the associated phenotype(s). This variant has been observed in one or more individuals affected with the associated recessive disease, as either homozygous or compound heterozygous with a second variant (PMID: 34273913, 27338287, 39507854). Functional studies show that this variant may disrupt protein function (PMID: 34273913). A different variant at the same position has been determined to be Pathogenic or Likely Pathogenic. Computational prediction algorithms indicate this variant is likely to affect gene or protein function. Given the available evidence, this variant is classified as Likely Pathogenic.

Baylor Genetics
Classification: Likely pathogenic for Niemann-Pick disease, type A. Last evaluated: 2023-05-19. Review status: criteria provided, single submitter. Criteria: ACMG Guidelines, 2015. Collection method: clinical testing. Allele origin: unknown.

3billion
Classification: Likely pathogenic for Niemann-Pick disease, type B. Last evaluated: 2022-09-01. Review status: criteria provided, single submitter. Criteria: ACMG Guidelines, 2015. Collection method: clinical testing. Allele origin: germline. Affected: yes. Observed: 1 heterozygote.
Comment: The variant is observed at an extremely low frequency in the gnomAD v2.1.1 dataset (total allele frequency: <0.001%). In silico tool predictions suggest damaging effect of the variant on gene or gene product (REVEL: 0.98; 3Cnet: 1.00). Same nucleotide change resulting in same amino acid change has been previously reported to be associated with SMPD1-related disorder (ClinVar ID: VCV000555444 / PMID: 27338287). The variant has been reported to be in trans with a pathogenic variant as either compound heterozygous or homozygous in at least one similarly affected unrelated individual (PMID: 27338287). A different missense change at the same codon (p.Gly319Ser) has been reported to be associated with SMPD1-related disorder (ClinVar ID: VCV000992693). Therefore, this variant is classified as Likely pathogenic according to the recommendation of ACMG/AMP guideline.

Diagnostics Division, CENTRE FOR DNA FINGERPRINTING AND DIAGNOSTICS
Classification: Likely pathogenic for Niemann-Pick disease, type B. Last evaluated: 2021-04-25. Review status: criteria provided, single submitter. Criteria: ACMG Guidelines, 2015. Collection method: research. Allele origin: germline. Affected: yes. Observed: 1 variant allele.

Neuberg Centre For Genomic Medicine, NCGM
Classification: Likely pathogenic for Niemann-Pick disease, type A. Review status: criteria provided, single submitter. Criteria: ACMG Guidelines, 2015. Collection method: clinical testing. Allele origin: germline. Affected: yes.
Comment: The variant has been submitted to ClinVar as Uncertain significance. The p.G319R variant is observed in 1/1,13,740 (0.0009%) alleles from individuals of European (Non-Finnish) background in gnomAD Exomes and is novel (not in any individuals) in 1000 Genomes. The p.G319R missense variant is predicted to be damaging by both SIFT and PolyPhen2. The glycine residue at codon 319 of SMPD1 is conserved in all mammalian species. The nucleotide c.955 in SMPD1 is predicted conserved by GERP++ and PhyloP across 100 vertebrates. For these reasons, this variant has been classified as Likely Pathogenic.

Counsyl
Classification: Uncertain significance for Niemann-Pick disease, type A. Last evaluated: 2017-12-05. Review status: no assertion criteria provided. Collection method: clinical testing. Allele origin: unknown. Not counted in ClinVar's aggregate classification.

Literature cited by the submitters: PubMed 27338287 (cited by 4 submitters); PubMed 34273913 (cited by Labcorp Genetics (formerly Invitae), Labcorp and Natera, Inc.); PubMed 39507854 (cited by Natera, Inc.).

NM_000543.5(SMPD1):c.955G>C (p.Gly319Arg)

Gene: SMPD1 (sphingomyelin phosphodiesterase 1; plus strand). Cytogenetic location: 11p15.4.
Variant type: single nucleotide variant.
Coding change: c.955G>C on transcript NM_000543.5 (MANE Select); coding-DNA position 955, G replaced by C.
Protein change: p.Gly319Arg; replaces glycine 319 with arginine.
Molecular consequence: missense variant. On other transcripts: 5 prime UTR variant (1), non-coding transcript variant (1).
Genome position (GRCh38, 1-based): chr11:6,392,020, G>C. VCF-style: chr11-6392020-G-C. GRCh37 (hg19) VCF-style: chr11-6413250-G-C.
Other names: c.952G>C, p.Gly318Arg (NM_001007593.3); c.955G>C, p.Gly319Arg (NM_001318087.2, NM_001365135.2); c.-7G>C (NM_001318088.2); short protein forms G319R, G318R.
Identifiers: ClinVar variation 555444 (VCV000555444.12), dbSNP rs757934797, ClinGen allele CA5852716.
Genomic context (GRCh38, chr11:6,392,020, plus strand): 5'-ACCACCGTCACAGCACTTGTGAGGAAGTTCCTGGGGCCAGTGCCAGTGTACCCTGCTGTG[G>C]GTAACCATGAAAGCACACCTGTCAATAGCTTCCCTCCCCCCTTCATTGAGGGCAACCACT-3'
Protein context (NP_000534.3, residues 309-329): LGPVPVYPAV[Gly319Arg]NHESTPVNSF